The following is an entry in ClinVar:

ClinVar aggregate classification (germline): Uncertain significance. Review status: criteria provided, multiple submitters, no conflicts (2 of 4 stars). 3 submissions from 3 submitters: Uncertain significance (2). 1 of the submissions does not count toward it. Last evaluated 2023-12-07.

Conditions:
Inborn genetic diseases. Identifiers: MedGen C0950123, MeSH D030342.
KIF7-related disorder. Also called: KIF7-related condition.
Acrocallosal syndrome (ACLS). Also called: Schinzel syndrome 1; Absence of corpus callosum with unusual facial appearance, mental deficiency, duplication of the halluces and polydactyly; HALLUX DUPLICATION, POSTAXIAL POLYDACTYLY, AND ABSENCE OF CORPUS CALLOSUM. Identifiers: Orphanet 36, MedGen C0796147, MONDO:0008708, OMIM 200990.

Allele frequency attached by ClinVar (database versions not stated): gnomAD 0.00003 and 0.00005; TOPMed 0.00005; ExAC 0.00013; gnomAD exomes 0.00015; 1000 Genomes Project 0.00040; 1000 Genomes Project 30x 0.00047.
gnomAD v4.1: 77 of 1,608,396 alleles (0.0048%); highest among the groups gnomAD compares: Middle Eastern, 0.035%; 1 homozygote.

Submissions (3):

Labcorp Genetics (formerly Invitae), Labcorp
Classification: Uncertain significance for Acrocallosal syndrome. Last evaluated: 2023-12-07. Review status: criteria provided, single submitter. Criteria: Invitae Variant Classification Sherloc (09022015). Collection method: clinical testing. Allele origin: germline.
Comment: This sequence change replaces arginine, which is basic and polar, with cysteine, which is neutral and slightly polar, at codon 851 of the KIF7 protein (p.Arg851Cys). This variant is present in population databases (rs201341169, gnomAD 0.05%), including at least one homozygous and/or hemizygous individual. This variant has not been reported in the literature in individuals affected with KIF7-related conditions. ClinVar contains an entry for this variant (Variation ID: 1383297). Advanced modeling of protein sequence and biophysical properties (such as structural, functional, and spatial information, amino acid conservation, physicochemical variation, residue mobility, and thermodynamic stability) performed at Invitae indicates that this missense variant is expected to disrupt KIF7 protein function with a positive predictive value of 80%. In summary, the available evidence is currently insufficient to determine the role of this variant in disease. Therefore, it has been classified as a Variant of Uncertain Significance.

Ambry Genetics
Classification: Uncertain significance for Inborn genetic diseases. Last evaluated: 2022-09-07. Review status: criteria provided, single submitter. Criteria: Ambry Variant Classification Scheme 2023. Collection method: clinical testing. Allele origin: germline.

PreventionGenetics, part of Exact Sciences
Classification: Likely benign for KIF7-related condition. Last evaluated: 2021-01-05. Review status: no assertion criteria provided. Collection method: clinical testing. Allele origin: germline. Not counted in ClinVar's aggregate classification.
Comment: This variant is classified as likely benign based on ACMG/AMP sequence variant interpretation guidelines (Richards et al. 2015 PMID: 25741868, with internal and published modifications).

NM_198525.3(KIF7):c.2551C>T (p.Arg851Cys)

Gene: KIF7 (kinesin family member 7; minus strand). Cytogenetic location: 15q26.1.
Variant type: single nucleotide variant.
Coding change: c.2551C>T on transcript NM_198525.3 (MANE Select); coding-DNA position 2551, C replaced by T.
Protein change: p.Arg851Cys; replaces arginine 851 with cysteine.
Molecular consequence: missense variant.
Genome position (GRCh38, 1-based): chr15:89,633,727, G>A on the plus strand (C>T on the coding strand, the complement: KIF7 is on the minus strand). VCF-style: chr15-89633727-G-A. GRCh37 (hg19) VCF-style: chr15-90176958-G-A.
Other names: c.2551C>T (NM_198525.2); short protein forms R851C.
Identifiers: ClinVar variation 1383297 (VCV001383297.7), dbSNP rs201341169, ClinGen allele CA7728102.